The following is an entry in ClinVar:

ClinVar aggregate classification (germline): Benign/Likely benign. Review status: criteria provided, multiple submitters, no conflicts (2 of 4 stars). 5 submissions from 5 submitters: Benign (1); Likely benign (3). 1 of the submissions does not count toward it. Last evaluated 2026-01-17.

Conditions:
KIF22-related disorder. Also called: KIF22-related condition.

Allele frequency attached by ClinVar (database versions not stated): 1000 Genomes Project 30x 0.00094; 1000 Genomes Project 0.00100; gnomAD 0.00194 and 0.00197; ESP Exome Variant Server 0.00200; TOPMed 0.00213.
gnomAD v4.1: 3,842 of 1,613,910 alleles (0.24%); highest among the groups gnomAD compares: Admixed American, 0.32%; 12 homozygotes.

Submissions (5):

Labcorp Genetics (formerly Invitae), Labcorp
Classification: Benign. Last evaluated: 2026-01-17. Review status: criteria provided, single submitter. Criteria: Invitae Variant Classification Sherloc (09022015). Collection method: clinical testing. Allele origin: germline.

CeGaT Center for Human Genetics Tuebingen
Classification: Likely benign. Last evaluated: 2026-01-01. Review status: criteria provided, single submitter. Criteria: CeGaT Center For Human Genetics Tuebingen Variant Classification Criteria Version 2. Collection method: clinical testing. Allele origin: germline. Affected: yes. Observed: 3 variant alleles.
Comment: KIF22: BP4, BS1

Blueprint Genetics
Classification: Likely benign. Last evaluated: 2024-11-22. Review status: criteria provided, single submitter. Criteria: ACMG Guidelines, 2015. Collection method: clinical testing. Allele origin: germline.

Eurofins Ntd Llc (ga)
Classification: Likely benign. Last evaluated: 2016-07-07. Review status: criteria provided, single submitter. Criteria: EGL Classification Definitions 2015. Collection method: clinical testing. Allele origin: germline. Observed: 1 variant allele, 1 heterozygote.

PreventionGenetics, part of Exact Sciences
Classification: Benign for KIF22-related condition. Last evaluated: 2021-02-03. Review status: no assertion criteria provided. Collection method: clinical testing. Allele origin: germline. Not counted in ClinVar's aggregate classification.
Comment: This variant is classified as benign based on ACMG/AMP sequence variant interpretation guidelines (Richards et al. 2015 PMID: 25741868, with internal and published modifications).

NM_007317.3(KIF22):c.1780G>A (p.Asp594Asn)

Gene: KIF22 (kinesin family member 22; plus strand). Cytogenetic location: 16p11.2.
Variant type: single nucleotide variant.
Coding change: c.1780G>A on transcript NM_007317.3 (MANE Select); coding-DNA position 1780, G replaced by A.
Protein change: p.Asp594Asn; replaces aspartic acid 594 with asparagine.
Molecular consequence: missense variant.
Genome position (GRCh38, 1-based): chr16:29,804,916, G>A. VCF-style: chr16-29804916-G-A. GRCh37 (hg19) VCF-style: chr16-29816237-G-A.
Other names: c.1576G>A, p.Asp526Asn (NM_001256269.2, NM_001256270.1); short protein forms D594N, D526N.
Identifiers: ClinVar variation 288571 (VCV000288571.40), dbSNP rs146561986, ClinGen allele CA7993438.